The following is an entry in ClinVar:

NM_174936.4(PCSK9):c.1503+4A>T

Gene: PCSK9 (proprotein convertase subtilisin/kexin type 9; plus strand). Cytogenetic location: 1p32.3.
Variant type: single nucleotide variant.
Coding change: c.1503+4A>T on transcript NM_174936.4 (MANE Select); 4 bases into the intron after coding-DNA position 1503, A replaced by T.
Molecular consequence: intron variant.
Genome position (GRCh38, 1-based): chr1:55,058,651, A>T. VCF-style: chr1-55058651-A-T. GRCh37 (hg19) VCF-style: chr1-55524324-A-T.
Other names: c.1180+1137A>T (NM_001407247.1); c.1446+4A>T (NM_001407243.1); c.1311+4A>T (NM_001407245.1); c.1128+4A>T (NM_001407246.1); c.1626+4A>T (NM_001407240.1); c.1506+4A>T (NM_001407242.1); c.1503+4A>T (NM_001407241.1); c.1329+4A>T (NM_001407244.1).
Identifiers: ClinVar variation 3387454 (VCV003387454.1).

ClinVar aggregate classification (germline): Uncertain significance (1 of 4 stars; one submission).

Conditions:
Hypercholesterolemia, autosomal dominant, 3 (FHCL3). Also called: Familial Hypercholesterolemia, Autosomal Dominant, 3; PCSK9-Related Familial Hypercholesterolemia, Autosomal Dominant; Familial hypercholesterolemia 3. Identifiers: MedGen C1863551, MONDO:0011369, OMIM 603776.

gnomAD v4.1: 1 of 1,604,534 alleles (0.000062%); highest among the groups gnomAD compares: African/African-American, 0.0014%; no homozygotes.

Submission:

All of Us Research Program, National Institutes of Health
Classification: Uncertain significance for Hypercholesterolemia, autosomal dominant, 3. Last evaluated: 2024-06-09. Review status: criteria provided, single submitter. Criteria: ACMG Guidelines, 2015. Collection method: clinical testing. Allele origin: germline. Inheritance: Autosomal dominant inheritance. Observed: 1 variant allele, 1 heterozygote.
Comment: This variant causes an A to T nucleotide substitution at the +4 position of intron 9 of the PCSK9 gene. Splice site prediction tools are inconclusive regarding the impact of this variant on RNA splicing. To our knowledge, functional studies have not been reported for this variant. This variant has not been reported in individuals affected with PCSK9-related disorders in the literature. This variant has not been identified in the general population by the Genome Aggregation Database (gnomAD). The available evidence is insufficient to determine the role of this variant in disease conclusively. Therefore, this variant is classified as a Variant of Uncertain Significance.

This study involves interpretation of variants in research participants for the purpose of population health screening. Participant phenotype was not available at the time of variant classification. Additional details can be found in publication PMID: 35346344, PMCID: PMC8962531